The following is an entry in ClinVar:

ClinVar aggregate classification (germline): Uncertain significance (1 of 4 stars; one submission).

Conditions:
Cranium bifidum occultum. Also called: CRANIUM BIFIDUM, HEREDITARY; Enlarged Parietal Foramina; CATLIN MARKS. Identifiers: MedGen C1868598, HP:0004423.

Allele frequency attached by ClinVar (database versions not stated): TOPMed 0.00004; gnomAD exomes 0.00004 and 0.00007; ExAC 0.00007; gnomAD 0.00001; ESP Exome Variant Server 0.00008.
gnomAD v4.1: 106 of 1,613,894 alleles (0.0066%); highest among the groups gnomAD compares: Middle Eastern, 0.033%; no homozygotes.

Submission:

Labcorp Genetics (formerly Invitae), Labcorp
Classification: Uncertain significance for Cranium bifidum occultum. Last evaluated: 2024-02-17. Review status: criteria provided, single submitter. Criteria: Invitae Variant Classification Sherloc (09022015). Collection method: clinical testing. Allele origin: germline.
Comment: This sequence change replaces alanine, which is neutral and non-polar, with valine, which is neutral and non-polar, at codon 233 of the MSX2 protein (p.Ala233Val). This variant is present in population databases (rs138053303, gnomAD 0.008%). This variant has not been reported in the literature in individuals affected with MSX2-related conditions. ClinVar contains an entry for this variant (Variation ID: 536455). Advanced modeling of protein sequence and biophysical properties (such as structural, functional, and spatial information, amino acid conservation, physicochemical variation, residue mobility, and thermodynamic stability) performed at Invitae indicates that this missense variant is not expected to disrupt MSX2 protein function with a negative predictive value of 80%. In summary, the available evidence is currently insufficient to determine the role of this variant in disease. Therefore, it has been classified as a Variant of Uncertain Significance.

NM_002449.5(MSX2):c.698C>T (p.Ala233Val)

Gene: MSX2 (msh homeobox 2; plus strand). Cytogenetic location: 5q35.2.
Variant type: single nucleotide variant.
Coding change: c.698C>T on transcript NM_002449.5 (MANE Select); coding-DNA position 698, C replaced by T.
Protein change: p.Ala233Val; replaces alanine 233 with valine.
Molecular consequence: missense variant. On other transcripts: 3 prime UTR variant (1).
Genome position (GRCh38, 1-based): chr5:174,729,477, C>T. VCF-style: chr5-174729477-C-T. GRCh37 (hg19) VCF-style: chr5-174156480-C-T.
Other names: c.*322C>T (NM_001363626.2); short protein forms A233V.
Identifiers: ClinVar variation 536455 (VCV000536455.8), dbSNP rs138053303, ClinGen allele CA3565247.